The following is an entry in ClinVar:

ClinVar aggregate classification (germline): Pathogenic. Review status: reviewed by expert panel (3 of 4 stars). 10 submissions from 10 submitters: Pathogenic (1). 9 of the submissions do not count toward it. Last evaluated 2022-04-14.

Conditions:
Hepatic adenomas, familial. Also called: LIVER CELL ADENOMAS, FAMILIAL; HEPATIC ADENOMA, SOMATIC. Identifiers: MedGen C1840646, MONDO:0007718, OMIM 142330.
Type 1 diabetes mellitus 20 (T1D20). Also called: Diabetes mellitus, insulin-dependent, 20. Identifiers: MedGen C2675866, MONDO:0012919, OMIM 612520.
Maturity-onset diabetes of the young type 3. Also called: MODY, type III; MODY type 3. Identifiers: Orphanet 552, MedGen C1838100, MeSH C563933, MONDO:0010894, OMIM 600496. Disease mechanism: loss of function.
Nonpapillary renal cell carcinoma. Identifiers: Orphanet 422526, MedGen CN074294, MONDO:0007763, OMIM 144700.
Diabetes mellitus type 1 (T1D). Also called: Type I diabetes mellitus; Diabetes Mellitus, Juvenile-Onset. Identifiers: MedGen C0011854, MONDO:0005147, OMIM 222100, HP:0100651.
Type 2 diabetes mellitus. Also called: Type II diabetes mellitus. Identifiers: MedGen C0011860, MeSH D003924, MONDO:0005148, OMIM 125853, HP:0005978.
Monogenic diabetes. Identifiers: Orphanet 183625, MedGen C3888631, MONDO:0015967.
Maturity-onset diabetes of the young (MODY). Also called: Maturity onset diabetes mellitus in young. Identifiers: Orphanet 552, MedGen C0342276, MONDO:0018911, HP:0004904.

Submissions (10):

ClinGen Monogenic Diabetes Variant Curation Expert Panel
Classification: Pathogenic for Monogenic diabetes. Last evaluated: 2022-04-14. Review status: reviewed by expert panel. Criteria: ClinGen Diabetes ACMG Specifications v1 1. Collection method: curation. Allele origin: germline. Inheritance: Autosomal dominant inheritance.
Comment: The c.788G>A variant in the HNF1 homeobox A gene, HNF1A, causes an amino acid change of arginine to histidine at codon 263 (p.Arg263His) of NM_000545.8. This variant resides in an amino acid within the HNF1α DNA binding domain that directly binds DNA, which is defined as critical for the protein’s function by the ClinGen MDEP (PM1). This variant is absent from gnomAD v2.1.1 (PM2_Supporting). This variant is also predicted to be deleterious by computational evidence, with a REVEL score of 0.957, which is greater thanthe MDEP VCEP threshold of 0.70 (PP3). This variant was identified in at least 16 unrelated individuals with non- autoimmune and non-absolute/near-absolute insulin-deficient diabetes (PS4; PMIDs: 19336507, 26853433, 28012402, 29927023, 31166087, internal lab contributors). Additionally, functional studies demonstrated the p.Arg263His protein has DNA binding and nuclear localization below 40% of wild type, indicating that this variant impacts protein function (PS3_Supporting; PMID: 26853433). This variant was identified in an individual with a clinical history highly specific for HNF1A-MODY (MODY probability calculator result >50%, negative genetic testing for HNF4A, and response to low dose sulfonylureas) (PP4_Moderate; internal lab contributors). Finally, this variant segregated with diabetes, with 9 informative meioses in multiple families with MODY (PP1_Strong; 19336507, internal lab contributors). While two additional missense variants, c.787C>T (p.Arg263His) and c.788G>T (p.Arg263Leu) have been classified as pathogenic by the ClinGen MDEP, p.Arg263His has the lowest Grantham distance and was used as the base variant to apply PM5 to Arg263Cys and PM5_Strong to Arg263Leu and thus PM5 is not applied to p.Arg263His. In summary, c.788G>A meets the criteria to be classified as pathogenic for monogenic diabetes. ACMG/AMP criteria applied, as specified by the ClinGen MDEP (specification version 1.1, approved 9/30/2021): PM1, PM2_Supporting, PP3, PS4, PS3_Supporting, PP4_Moderate, PP1_Strong.

Labcorp Genetics (formerly Invitae), Labcorp
Classification: Pathogenic. Last evaluated: 2025-09-09. Review status: criteria provided, single submitter. Criteria: Invitae Variant Classification Sherloc (09022015). Collection method: clinical testing. Allele origin: germline. Not counted in ClinVar's aggregate classification.
Comment: This sequence change replaces arginine, which is basic and polar, with histidine, which is basic and polar, at codon 263 of the HNF1A protein (p.Arg263His). This variant is not present in population databases (gnomAD no frequency). This missense change has been observed in individuals with maturity-onset diabetes of the young (PMID: 16917892, 19336507, 28395978, 30293189). It has also been observed to segregate with disease in related individuals. Invitae Evidence Modeling of clinical and family history, age, sex, and reported ancestry of multiple individuals with this HNF1A variant has been performed. This variant is expected to be pathogenic with a positive predictive value of at least 99%. This is a validated machine learning model that incorporates the clinical features of 42,750 individuals referred to our laboratory for HNF1A testing. ClinVar contains an entry for this variant (Variation ID: 379138). Invitae Evidence Modeling of protein sequence and biophysical properties (such as structural, functional, and spatial information, amino acid conservation, physicochemical variation, residue mobility, and thermodynamic stability) has been performed for this missense variant. However, the output from this modeling did not meet the statistical confidence thresholds required to predict the impact of this variant on HNF1A protein function. For these reasons, this variant has been classified as Pathogenic.

Women's Health and Genetics/Laboratory Corporation of America, LabCorp
Classification: Pathogenic for Maturity-onset diabetes of the young. Last evaluated: 2025-05-06. Review status: criteria provided, single submitter. Criteria: LabCorp Variant Classification Summary - May 2015. Collection method: clinical testing. Allele origin: germline. Not counted in ClinVar's aggregate classification.
Comment: Variant summary: HNF1A c.788G>A (p.Arg263His) results in a non-conservative amino acid change in the encoded protein sequence. Algorithms developed to predict the effect of missense changes on protein structure and function all suggest that this variant is likely to be disruptive. The variant was absent in 249288 control chromosomes. c.788G>A has been observed in the heterozygous state in multiple related individuals affected with Maturity Onset Diabetes Of The Young 3 (example, Radha_2009), segregating with disease in at least 1 family. These data indicate that the variant is very likely to be associated with disease. A different variant affecting the same codon has been classified as likely pathogenic/pathogenic by our lab (c.787C>T, p.Arg263Cys), supporting the critical relevance of codon 263 to HNF1A protein function. The following publication has been ascertained in the context of this evaluation (PMID: 19336507). ClinVar contains an entry for this variant (Variation ID: 379138). Based on the evidence outlined above, the variant was classified as pathogenic.

Athena Diagnostics
Classification: Pathogenic. Last evaluated: 2024-12-03. Review status: criteria provided, single submitter. Criteria: Athena Diagnostics Criteria. Collection method: clinical testing. Allele origin: unknown. Not counted in ClinVar's aggregate classification.
Comment: This variant has not been reported in large, multi-ethnic general populations. This variant has been identified in multiple unrelated individuals with clinical features associated with this gene and appears to segregate with disease in at least one family. Assessment of experimental evidence suggests this variant results in abnormal protein function. (PMID 26853433) The variant is located in a region that is considered important for protein function and/or structure.

Fulgent Genetics
Classification: Pathogenic for Type 2 diabetes mellitus; Hepatic adenomas, familial; Nonpapillary renal cell carcinoma; Diabetes mellitus type 1; Maturity-onset diabetes of the young type 3; Type 1 diabetes mellitus 20. Last evaluated: 2024-05-21. Review status: criteria provided, single submitter. Criteria: ACMG Guidelines, 2015. Collection method: clinical testing. Allele origin: germline. Not counted in ClinVar's aggregate classification.

GeneDx
Classification: Pathogenic. Last evaluated: 2022-04-13. Review status: criteria provided, single submitter. Criteria: GeneDx Variant Classification Process June 2021. Collection method: clinical testing. Allele origin: germline. Affected: yes. Not counted in ClinVar's aggregate classification.
Comment: Published functional studies demonstrate reduced transcriptional activity, reduced binding to a HNF1A binding-site, and decreased nuclear and increased cytoplasmic localization of HNF1A compared to wildtype (Balamurugan et al., 2016); Not observed at significant frequency in large population cohorts (gnomAD); In silico analysis supports that this missense variant has a deleterious effect on protein structure/function; This variant is associated with the following publications: (PMID: 26817999, 20393147, 25525159, 26853433, 16496320, 16917892, 29927023, 23517481, 30293189, 22060211, 28012402, 18838325, 19336507, 28395978, 31166087, 12453420, 18003757)

Ambry Genetics
Classification: Pathogenic for Maturity-onset diabetes of the young. Last evaluated: 2021-06-09. Review status: criteria provided, single submitter. Criteria: Ambry Variant Classification Scheme 2023. Collection method: clinical testing. Allele origin: germline. Not counted in ClinVar's aggregate classification.
Comment: The p.R263H pathogenic mutation (also known as c.788G>A), located in coding exon 4 of the HNF1A gene, results from a G to A substitution at nucleotide position 788. The arginine at codon 263 is replaced by histidine, an amino acid with highly similar properties. This variant has been detected in several unrelated individuals reported to have maturity-onset diabetes of the young (MODY) and has shown segregation with disease in a family (Skupien J et al. Diabetes Metab, 2008 Nov;34:524-8; Radha V et al. J Clin Endocrinol Metab. 2009 Jun;94(6):1959-65; Giuffrida FMA et al. Diabetes Res Clin Pract, 2017 Jan;123:134-142; Karaca E et al. Diabetes Metab Syndr, 2017 Nov;11 Suppl 1:S491-S496; Yorifuji T et al. Pediatr Diabetes, 2018 11;19:1164-1172). In in vitro assays, this variant has been suggested to result in reduced function (Balamurugan K et al. Clin Genet. 2016 12;90(6):486-495). This variant is considered to be rare based on population cohorts in the Genome Aggregation Database (gnomAD). In addition, this alteration is predicted to be deleterious by in silico analysis. Based on the supporting evidence, this alteration is interpreted as a disease-causing mutation.

Molecular Genetics, Madras Diabetes Research Foundation
Classification: Pathogenic for Maturity-onset diabetes of the young. Review status: criteria provided, single submitter. Criteria: ACMG Guidelines, 2015. Collection method: clinical testing. Allele origin: germline. Affected: yes. Not counted in ClinVar's aggregate classification.

Gharavi Laboratory, Columbia University
Classification: Pathogenic. Last evaluated: 2018-09-16. Review status: no assertion criteria provided. Criteria: ACMG Guidelines, 2015. Collection method: research. Allele origin: germline. Affected: yes. Not counted in ClinVar's aggregate classification.

Genomics And Bioinformatics Analysis Resource, Columbia University
Classification: Pathogenic for Maturity-onset diabetes of the young type 3. Review status: no assertion criteria provided. Collection method: research. Allele origin: unknown. Affected: yes. Not counted in ClinVar's aggregate classification.

Literature cited by the submitters: PubMed 16917892 (cited by Labcorp Genetics (formerly Invitae), Labcorp and Athena Diagnostics); PubMed 19336507 (cited by 5 submitters); PubMed 28395978 (cited by 3 submitters); PubMed 30293189 (cited by 3 submitters); PubMed 31166087 (cited by Athena Diagnostics and Ambry Genetics); PubMed 29927023 (cited by Athena Diagnostics and Ambry Genetics); PubMed 23517481 (cited by Athena Diagnostics and Ambry Genetics); PubMed 26817999 (cited by Athena Diagnostics); PubMed 26853433 (cited by Athena Diagnostics and Molecular Genetics, Madras Diabetes Research Foundation); PubMed 20393147 (cited by Athena Diagnostics); PubMed 28012402 (cited by Athena Diagnostics and Ambry Genetics); PubMed 22060211 (cited by Athena Diagnostics); PubMed 18838325 (cited by Athena Diagnostics and Ambry Genetics); PubMed 16496320 (cited by Athena Diagnostics).

NM_000545.8(HNF1A):c.788G>A (p.Arg263His)

Gene: HNF1A (HNF1 homeobox A; plus strand). Cytogenetic location: 12q24.31.
Variant type: single nucleotide variant.
Coding change: c.788G>A on transcript NM_000545.8 (MANE Select); coding-DNA position 788, G replaced by A.
Protein change: p.Arg263His; replaces arginine 263 with histidine.
Molecular consequence: missense variant.
Genome position (GRCh38, 1-based): chr12:120,994,238, G>A. VCF-style: chr12-120994238-G-A. GRCh37 (hg19) VCF-style: chr12-121432041-G-A.
Other names: NM_000545.8(HNF1A):c.788G>A; p.Arg263His; c.788G>A, p.Arg263His (NM_001306179.2); short protein forms R263H.
Identifiers: ClinVar variation 379138 (VCV000379138.23), dbSNP rs1057520504, ClinGen allele CA16606475.
Genomic context (GRCh38, chr12:120,994,238, plus strand): 5'-AGAGAGGGGTGTCCCCATCACAGGCACAGGGGCTGGGCTCCAACCTCGTCACGGAGGTGC[G>A]TGTCTACAACTGGTTTGCCAACCGGCGCAAAGAAGAAGCCTTCCGGCACAAGCTGGCCAT-3'
Protein context (NP_000536.6, residues 253-273): GLGSNLVTEV[Arg263His]VYNWFANRRK